The following is an entry in ClinVar:

NM_001254.4(CDC6):c.461G>T (p.Gly154Val)

Gene: CDC6 (cell division cycle 6; plus strand). Cytogenetic location: 17q21.2.
Variant type: single nucleotide variant.
Coding change: c.461G>T on transcript NM_001254.4 (MANE Select); coding-DNA position 461, G replaced by T.
Protein change: p.Gly154Val; replaces glycine 154 with valine.
Molecular consequence: missense variant.
Genome position (GRCh38, 1-based): chr17:40,291,469, G>T. VCF-style: chr17-40291469-G-T. GRCh37 (hg19) VCF-style: chr17-38447721-G-T.
Other names: short protein forms G154V.
Identifiers: ClinVar variation 1962490 (VCV001962490.6), dbSNP rs2544134522, ClinGen allele CA399327798.
Genomic context (GRCh38, chr17:40,291,469, plus strand): 5'-CCACTGGGTCTTCTCATTCACCTTCTGTTGTGTCTAATTGACCTTTTATGTCTGGCACAG[G>T]CACTTGCTACCAGCAAGCAAAGCTGGTCCTGAACACAGCTGTCCCAGATCGGCTGCCTGC-3'
Protein context (NP_001245.1, residues 144-164): SACVRLFKQE[Gly154Val]TCYQQAKLVL

ClinVar aggregate classification (germline): Uncertain significance. Review status: criteria provided, multiple submitters, no conflicts (2 of 4 stars). 2 submissions from 2 submitters: Uncertain significance (2). Last evaluated 2024-09-23.

gnomAD v4.1: 1 of 1,614,080 alleles (0.000062%); highest among the groups gnomAD compares: South Asian, 0.0011%; no homozygotes.

Submissions (2):

Labcorp Genetics (formerly Invitae), Labcorp
Classification: Uncertain significance. Last evaluated: 2024-09-23. Review status: criteria provided, single submitter. Criteria: Invitae Variant Classification Sherloc (09022015). Collection method: clinical testing. Allele origin: germline.
Comment: This sequence change replaces glycine, which is neutral and non-polar, with valine, which is neutral and non-polar, at codon 154 of the CDC6 protein (p.Gly154Val). This variant is not present in population databases (gnomAD no frequency). This variant has not been reported in the literature in individuals affected with CDC6-related conditions. ClinVar contains an entry for this variant (Variation ID: 1962490). An algorithm developed to predict the effect of missense changes on protein structure and function (PolyPhen-2) suggests that this variant is likely to be disruptive. In summary, the available evidence is currently insufficient to determine the role of this variant in disease. Therefore, it has been classified as a Variant of Uncertain Significance.

Ambry Genetics
Classification: Uncertain significance. Last evaluated: 2022-11-21. Review status: criteria provided, single submitter. Criteria: Ambry Variant Classification Scheme 2023. Collection method: clinical testing. Allele origin: germline.